The following is an entry in ClinVar:

ClinVar aggregate classification (germline): Uncertain significance (1 of 4 stars; one submission).

Submission:

GeneDx
Classification: Uncertain significance. Last evaluated: 2024-12-23. Review status: criteria provided, single submitter. Criteria: GeneDx Variant Classification Process June 2021. Collection method: clinical testing. Allele origin: germline. Affected: yes.
Comment: Not observed at significant frequency in large population cohorts (gnomAD); In silico analysis indicates that this missense variant does not alter protein structure/function; Has not been previously published as pathogenic or benign to our knowledge

NM_001190274.2(FBXO11):c.316C>G (p.Leu106Val)

Gene: FBXO11 (F-box protein 11; minus strand). Cytogenetic location: 2p16.3.
Variant type: single nucleotide variant.
Coding change: c.316C>G on transcript NM_001190274.2 (MANE Select); coding-DNA position 316, C replaced by G.
Protein change: p.Leu106Val; replaces leucine 106 with valine.
Molecular consequence: missense variant.
Genome position (GRCh38, 1-based): chr2:47,839,686, G>C on the plus strand (C>G on the coding strand, the complement: FBXO11 is on the minus strand). VCF-style: chr2-47839686-G-C. GRCh37 (hg19) VCF-style: chr2-48066825-G-C.
Other names: c.64C>G, p.Leu22Val (NM_001374325.1, NM_025133.4); short protein forms L106V, L22V.
Identifiers: ClinVar variation 3906391 (VCV003906391.1).